The following is an entry in ClinVar:

NM_005045.4(RELN):c.1153C>G (p.Gln385Glu)

Gene: RELN (reelin; minus strand). Cytogenetic location: 7q22.1.
Variant type: single nucleotide variant.
Coding change: c.1153C>G on transcript NM_005045.4 (MANE Select); coding-DNA position 1153, C replaced by G.
Protein change: p.Gln385Glu; replaces glutamine 385 with glutamic acid.
Molecular consequence: missense variant.
Genome position (GRCh38, 1-based): chr7:103,682,252, G>C on the plus strand (C>G on the coding strand, the complement: RELN is on the minus strand). VCF-style: chr7-103682252-G-C. GRCh37 (hg19) VCF-style: chr7-103322699-G-C.
Other names: c.1153C>G, p.Gln385Glu (NM_173054.3); short protein forms Q385E.
Identifiers: ClinVar variation 1442300 (VCV001442300.7), dbSNP rs1833669763, ClinGen allele CA368926670.
Genomic context (GRCh38, chr7:103,682,252, plus strand): 5'-TGGCAAAATTGAACTCGCTGCCTTCATTTCCATGGAAATAAATGGAGTTCCCATCTGACT[G>C]ACAGCTATGCTGTAGGTGAAAAGAGAGCACGGGGTGGCTGTTGAATTGGTGTTGTAGCTG-3'
Protein context (NP_005036.2, residues 375-395): FPGATVKHSC[Gln385Glu]SDGNSIYFHG

ClinVar aggregate classification (germline): Uncertain significance (1 of 4 stars; one submission).

Conditions:
Norman-Roberts syndrome (LIS2). Also called: Lissencephaly 2 (Norman-Roberts type). Identifiers: Orphanet 89844, MedGen C0796089, MONDO:0009760, OMIM 257320.
Familial temporal lobe epilepsy 7. Identifiers: Orphanet 101046, MedGen C4225327, MONDO:0014639, OMIM 616436.

gnomAD v4.1: 5 of 1,614,032 alleles (0.00031%); highest among the groups gnomAD compares: Non-Finnish European, 0.00042%; no homozygotes.

Submission:

Labcorp Genetics (formerly Invitae), Labcorp
Classification: Uncertain significance for Familial temporal lobe epilepsy 7; Norman-Roberts syndrome. Last evaluated: 2021-06-05. Review status: criteria provided, single submitter. Criteria: Invitae Variant Classification Sherloc (09022015). Collection method: clinical testing. Allele origin: germline.
Comment: This sequence change replaces glutamine with glutamic acid at codon 385 of the RELN protein (p.Gln385Glu). The glutamine residue is highly conserved and there is a small physicochemical difference between glutamine and glutamic acid. This variant is not present in population databases (ExAC no frequency). This variant has not been reported in the literature in individuals with RELN-related conditions. Algorithms developed to predict the effect of missense changes on protein structure and function are either unavailable or do not agree on the potential impact of this missense change (SIFT: "Deleterious"; PolyPhen-2: "Probably Damaging"; Align-GVGD: "Class C0"). In summary, the available evidence is currently insufficient to determine the role of this variant in disease. Therefore, it has been classified as a Variant of Uncertain Significance.